The following is an entry in ClinVar:

ClinVar aggregate classification (germline): Uncertain significance (1 of 4 stars; one submission).

Conditions:
Leber congenital amaurosis 2 (LCA2). Also called: AMAUROSIS CONGENITA OF LEBER II; Autosomal Recessive RPE65-Related Retinal Degeneration. Identifiers: Orphanet 65, MedGen C1859844, MONDO:0008765, OMIM 204100. Disease mechanism: loss of function.
Retinitis pigmentosa 20 (RP20). Identifiers: Orphanet 791, MedGen C3151086, MONDO:0013425, OMIM 613794.

Submission:

Labcorp Genetics (formerly Invitae), Labcorp
Classification: Uncertain significance for Leber congenital amaurosis 2; Retinitis pigmentosa 20. Last evaluated: 2023-07-30. Review status: criteria provided, single submitter. Criteria: Invitae Variant Classification Sherloc (09022015). Collection method: clinical testing. Allele origin: germline.
Comment: This sequence change replaces proline, which is neutral and non-polar, with serine, which is neutral and polar, at codon 109 of the RPE65 protein (p.Pro109Ser). This variant is not present in population databases (gnomAD no frequency). This variant has not been reported in the literature in individuals affected with RPE65-related conditions. Advanced modeling of protein sequence and biophysical properties (such as structural, functional, and spatial information, amino acid conservation, physicochemical variation, residue mobility, and thermodynamic stability) has been performed at Invitae for this missense variant, however the output from this modeling did not meet the statistical confidence thresholds required to predict the impact of this variant on RPE65 protein function. In summary, the available evidence is currently insufficient to determine the role of this variant in disease. Therefore, it has been classified as a Variant of Uncertain Significance.

NM_000329.3(RPE65):c.325C>T (p.Pro109Ser)

Gene: RPE65 (retinoid isomerohydrolase RPE65; minus strand). Cytogenetic location: 1p31.3.
Variant type: single nucleotide variant.
Coding change: c.325C>T on transcript NM_000329.3 (MANE Select); coding-DNA position 325, C replaced by T.
Protein change: p.Pro109Ser; replaces proline 109 with serine.
Molecular consequence: missense variant. On other transcripts: intron variant (1).
Genome position (GRCh38, 1-based): chr1:68,444,804, G>A on the plus strand (C>T on the coding strand, the complement: RPE65 is on the minus strand). VCF-style: chr1-68444804-G-A. GRCh37 (hg19) VCF-style: chr1-68910487-G-A.
Other names: c.49C>T, p.Pro17Ser (NM_001406856.1, NM_001406857.1); c.325C>T, p.Pro109Ser (NM_001406859.1, NM_001406860.1); c.246-132C>T (NM_001406853.1); short protein forms P17S, P109S.
Identifiers: ClinVar variation 2939345 (VCV002939345.3), dbSNP rs2523445525, ClinGen allele CA340748205.